The following is an entry in ClinVar:

NM_015215.4(CAMTA1):c.2026C>G (p.Gln676Glu)

Gene: CAMTA1 (calmodulin binding transcription activator 1; plus strand). Cytogenetic location: 1p36.23.
Variant type: single nucleotide variant.
Coding change: c.2026C>G on transcript NM_015215.4 (MANE Select); coding-DNA position 2026, C replaced by G.
Protein change: p.Gln676Glu; replaces glutamine 676 with glutamic acid.
Molecular consequence: missense variant.
Genome position (GRCh38, 1-based): chr1:7,664,573, C>G. VCF-style: chr1-7664573-C-G. GRCh37 (hg19) VCF-style: chr1-7724633-C-G.
Other names: c.1936C>G, p.Gln646Glu (NM_001349608.2, NM_001349612.2); c.2026C>G, p.Gln676Glu (NM_001349609.2, NM_001349610.2, NM_001410737.1); c.1954C>G, p.Gln652Glu (NM_001410738.1); short protein forms Q646E, Q652E, Q676E.
Identifiers: ClinVar variation 3391552 (VCV003391552.1).

ClinVar aggregate classification (germline): Uncertain significance (1 of 4 stars; one submission).

Submission:

GeneDx
Classification: Uncertain significance. Last evaluated: 2024-06-13. Review status: criteria provided, single submitter. Criteria: GeneDx Variant Classification Process June 2021. Collection method: clinical testing. Allele origin: germline. Affected: yes.
Comment: Not observed at significant frequency in large population cohorts (gnomAD); In silico analysis indicates that this missense variant does not alter protein structure/function; Has not been previously published as pathogenic or benign to our knowledge